The following is an entry in ClinVar:

NM_000051.4(ATM):c.7969_7975del (p.Leu2656_Lys2657insTer)

Genes: ATM (ATM serine/threonine kinase; plus strand), C11orf65 (chromosome 11 open reading frame 65; minus strand). Cytogenetic location: 11q22.3.
Variant type: Deletion.
Coding change: c.7969_7975del on transcript NM_000051.4 (MANE Select); coding-DNA positions 7969 to 7975, 7 bases deleted (AAGAATT; older notation c.7969_7975delAAGAATT).
Protein change: p.Leu2656_Lys2657insTer.
Molecular consequence: nonsense. On other transcripts: intron variant (2).
Genome position (GRCh38, 1-based): chr11:108,333,927-108,333,933, AAGAATT deleted; deleting any 7 consecutive bases within chr11:108,333,925-108,333,933 gives the same sequence; the c. name uses the placement nearest the transcript's 3' end. VCF-style (leftmost placement, unchanged base first): chr11-108333924-CTTAAGAA-C. GRCh37 (hg19) VCF-style: chr11-108204651-CTTAAGAA-C.
Other names: c.7969_7975del, p.Leu2656_Lys2657insTer (NM_001351834.2); c.641-24860_641-24854del (NM_001330368.2); c.*38+1289_*38+1295del (NM_001351110.2).
Identifiers: ClinVar variation 3658072 (VCV003658072.2).
Genomic context (GRCh38, chr11:108,333,924, plus strand): 5'-ATCTCTTCATTTTTAAATACAGAAGGCATAAATATTCCAGCAGACCAGCCAATTACTAAA[CTTAAGAA>C]TTTAGAAGATGTTGTTGTCCCTACTATGGAAATTAAGGTAATTTGCAATTAACTCTTGAT-3'

ClinVar aggregate classification (germline): Pathogenic (1 of 4 stars; one submission).

Conditions:
Ataxia-telangiectasia syndrome (AT). Also called: Ataxia-telangiectasia, complementation group D; AT, COMPLEMENTATION GROUP C; ATAXIA-TELANGIECTASIA, COMPLEMENTATION GROUP A; ATAXIA-TELANGIECTASIA, FRESNO VARIANT; Ataxia-telangiectasia; Ataxia-telangiectasia, complementation group E. Identifiers: Orphanet 100, MedGen C0004135, MONDO:0008840, OMIM 208900.

Submission:

Labcorp Genetics (formerly Invitae), Labcorp
Classification: Pathogenic for Ataxia-telangiectasia syndrome. Last evaluated: 2024-07-03. Review status: criteria provided, single submitter. Criteria: Invitae Variant Classification Sherloc (09022015). Collection method: clinical testing. Allele origin: germline.
Comment: This sequence change creates a premature translational stop signal (p.Lys2657*) in the ATM gene. It is expected to result in an absent or disrupted protein product. Loss-of-function variants in ATM are known to be pathogenic (PMID: 23807571, 25614872). This variant is not present in population databases (gnomAD no frequency). This variant has not been reported in the literature in individuals affected with ATM-related conditions. RNA analysis performed to evaluate the impact of this premature translational stop signal on mRNA splicing indicates it does not significantly alter splicing (Invitae). For these reasons, this variant has been classified as Pathogenic.

Literature cited by the submitters: PubMed 23807571; PubMed 25614872.